The following is an entry in ClinVar:

ClinVar aggregate classification (germline): Conflicting classifications of pathogenicity. Review status: criteria provided, conflicting classifications (1 of 4 stars). 6 submissions from 6 submitters: Uncertain significance (2); Likely benign (4). Last evaluated 2026-02-03.

Conditions:
Autoinflammatory syndrome. Identifiers: Orphanet 93665, MedGen C3890737, MONDO:0019751.
Familial hemophagocytic lymphohistiocytosis 5. Also called: STXBP2-Related Familial Hemophagocytic Lymphohistiocytosis (STXBP2-fHLH). Identifiers: Orphanet 540, MedGen C2751293, MONDO:0013135, OMIM 613101.

Allele frequency attached by ClinVar (database versions not stated): 1000 Genomes Project 0.00060; 1000 Genomes Project 30x 0.00062; ESP Exome Variant Server 0.00108; ExAC 0.00109; gnomAD exomes 0.00110 and 0.00156; TOPMed 0.00113; gnomAD 0.00141 and 0.00142.
gnomAD v4.1: 2,494 of 1,611,710 alleles (0.15%); highest among the groups gnomAD compares: Non-Finnish European, 0.18%; 5 homozygotes.

Submissions (6):

Labcorp Genetics (formerly Invitae), Labcorp
Classification: Likely benign for Familial hemophagocytic lymphohistiocytosis 5. Last evaluated: 2026-02-03. Review status: criteria provided, single submitter. Criteria: Invitae Variant Classification Sherloc (09022015). Collection method: clinical testing. Allele origin: germline.

Mayo Clinic Laboratories, Mayo Clinic
Classification: Likely benign. Last evaluated: 2025-06-04. Review status: criteria provided, single submitter. Criteria: ACMG Guidelines, 2015. Collection method: clinical testing. Allele origin: germline. Observed: 3 variant alleles.
Comment: BP4, BP7

Blueprint Genetics
Classification: Likely benign. Last evaluated: 2024-11-23. Review status: criteria provided, single submitter. Criteria: ACMG Guidelines, 2015. Collection method: clinical testing. Allele origin: germline.

CeGaT Center for Human Genetics Tuebingen
Classification: Likely benign. Last evaluated: 2024-04-01. Review status: criteria provided, single submitter. Criteria: CeGaT Center For Human Genetics Tuebingen Variant Classification Criteria Version 2. Collection method: clinical testing. Allele origin: germline. Affected: yes. Observed: 1 variant allele.
Comment: STXBP2: BP4, BP7

Genome Diagnostics Laboratory, The Hospital for Sick Children
Classification: Uncertain significance for Autoinflammatory syndrome. Last evaluated: 2019-05-01. Review status: criteria provided, single submitter. Criteria: ACMG Guidelines, 2015. Collection method: clinical testing. Allele origin: germline. Affected: yes.

Illumina Laboratory Services, Illumina
Classification: Uncertain significance for Familial hemophagocytic lymphohistiocytosis 5. Last evaluated: 2018-01-12. Review status: criteria provided, single submitter. Criteria: ICSL Variant Classification Criteria 13 December 2019. Collection method: clinical testing. Allele origin: germline.

NM_006949.4(STXBP2):c.1455C>T (p.Asp485=)

Gene: STXBP2 (syntaxin binding protein 2; plus strand). Cytogenetic location: 19p13.2.
Variant type: single nucleotide variant.
Coding change: c.1455C>T on transcript NM_006949.4 (MANE Select); coding-DNA position 1455, C replaced by T.
Protein change: p.Asp485=; no amino-acid change (aspartic acid 485 retained).
Molecular consequence: synonymous variant. On other transcripts: non-coding transcript variant (1).
Genome position (GRCh38, 1-based): chr19:7,647,164, C>T. VCF-style: chr19-7647164-C-T. GRCh37 (hg19) VCF-style: chr19-7712050-C-T.
Other names: p.Asp485=; c.1446C>T, p.Asp482= (NM_001127396.3); c.1488C>T, p.Asp496= (NM_001272034.2).
Identifiers: ClinVar variation 330557 (VCV000330557.41), dbSNP rs146425381, ClinGen allele CA9144192.